The following is an entry in ClinVar:

ClinVar aggregate classification (germline): Pathogenic. Review status: criteria provided, single submitter (1 of 4 stars). 2 submissions from 2 submitters: Pathogenic (1). 1 of the submissions does not count toward it. Last evaluated 2015-07-10.

Conditions:
Bainbridge-Ropers syndrome. Also called: Severe feeding difficulties-failure to thrive-microcephaly due to ASXL3 deficiency syndrome. Identifiers: Orphanet 352577, MedGen C4750837, MONDO:0014205, OMIM 615485.

Submissions (2):

GeneDx
Classification: Pathogenic. Last evaluated: 2015-07-10. Review status: criteria provided, single submitter. Criteria: GeneDx Variant Classification (06012015). Collection method: clinical testing. Allele origin: germline. Affected: yes.
Comment: The Q1122X variant in the ASXL3 gene has not been reported previously as a pathogenic variantnor as a benign polymorphism, to our knowledge. This variant is predicted to result in a truncated proteinwith loss of the last 1127 amino acid residues. The Q1122X variant was not observed in approximately6000 individuals of European and African American ancestry in the NHLBI Exome Sequencing Project,indicating it is not a common benign variant in these populations. We interpret Q1122X as a pathogenic variant.

OMIM
Classification: Pathogenic for BAINBRIDGE-ROPERS SYNDROME. Last evaluated: 2018-04-12. Review status: no assertion criteria provided. Collection method: literature only. Allele origin: germline. Not counted in ClinVar's aggregate classification.

Literature cited by the submitters: PubMed 26647312 (cited by OMIM).

NM_030632.3(ASXL3):c.3364C>T (p.Gln1122Ter)

Gene: ASXL3 (ASXL transcriptional regulator 3; plus strand). Cytogenetic location: 18q12.1.
Variant type: single nucleotide variant.
Coding change: c.3364C>T on transcript NM_030632.3 (MANE Select); coding-DNA position 3364, C replaced by T.
Protein change: p.Gln1122Ter; replaces glutamine 1122 with a stop codon.
Molecular consequence: nonsense.
Genome position (GRCh38, 1-based): chr18:33,743,212, C>T. VCF-style: chr18-33743212-C-T. GRCh37 (hg19) VCF-style: chr18-31323176-C-T.
Other names: short protein forms Q1122*.
Identifiers: ClinVar variation 419279 (VCV000419279.2), dbSNP rs1064793765, ClinGen allele CA16620686.
Genomic context (GRCh38, chr18:33,743,212, plus strand): 5'-ATCAAAGAGCAGACAAAGGCTAAGCTCTTTGCAAAGCATCAAGCTCGAGCCCATCTCTTC[C>T]AGACCTCTAAAGAGACCCGGTTGCCTCCTCCGCTCAGCTCAAAGGAAGGGCCTCCAAACT-3'